The following is an entry in ClinVar:

NM_018245.3(OGDHL):c.1402G>C (p.Glu468Gln)

Gene: OGDHL (oxoglutarate dehydrogenase L; minus strand). Cytogenetic location: 10q11.23.
Variant type: single nucleotide variant.
Coding change: c.1402G>C on transcript NM_018245.3 (MANE Select); coding-DNA position 1402, G replaced by C.
Protein change: p.Glu468Gln; replaces glutamic acid 468 with glutamine.
Molecular consequence: missense variant. On other transcripts: non-coding transcript variant (5), intron variant (4).
Genome position (GRCh38, 1-based): chr10:49,745,872, C>G on the plus strand (G>C on the coding strand, the complement: OGDHL is on the minus strand). VCF-style: chr10-49745872-C-G. GRCh37 (hg19) VCF-style: chr10-50953918-C-G.
Other names: c.1231G>C, p.Glu411Gln (NM_001143996.2, NM_001347820.1); c.775G>C, p.Glu259Gln (NM_001143997.2, NM_001347821.2, NM_001347822.1); c.1402G>C, p.Glu468Gln (NM_001347819.1); c.280-376G>C (NM_001347826.1); c.1297-376G>C (NM_001347823.1, NM_001347824.2); c.670-376G>C (NM_001347825.2); c.1402G>C (NM_018245.2); short protein forms E259Q, E411Q, E468Q.
Identifiers: ClinVar variation 3376232 (VCV003376232.2).
Genomic context (GRCh38, chr10:49,745,872, plus strand): 5'-CATCTTTGTTGAAAGTGTTTCTCCATTCGGCTGCCACACTGCACACATATATCACAGCCT[C>G]TGGGTCATCGGCATTCACATGGAAGATAGGCGCATTGACCACCCGGGCCACGTCGGTCGG-3'
Protein context (NP_060715.2, residues 458-478): PIFHVNADDP[Glu468Gln]AVIYVCSVAA

ClinVar aggregate classification (germline): Uncertain significance. Review status: criteria provided, multiple submitters, no conflicts (2 of 4 stars). 2 submissions from 2 submitters: Uncertain significance (2). Last evaluated 2025-04-01.

Conditions:
Inborn genetic diseases. Identifiers: MedGen C0950123, MeSH D030342.
Yoon-Bellen neurodevelopmental syndrome (YOBELN). Identifiers: MedGen C5562066, MONDO:0859221, OMIM 619701.

Submissions (2):

Ambry Genetics
Classification: Uncertain significance for Inborn genetic diseases. Last evaluated: 2025-04-01. Review status: criteria provided, single submitter. Criteria: Ambry Variant Classification Scheme 2023. Collection method: clinical testing. Allele origin: germline.

Pittsburgh Clinical Genomics Laboratory, University of Pittsburgh Medical Center
Classification: Uncertain significance for Yoon-Bellen neurodevelopmental syndrome. Last evaluated: 2022-04-18. Review status: criteria provided, single submitter. Criteria: ACMG Guidelines, 2015. Collection method: clinical testing. Allele origin: germline. Inheritance: Autosomal recessive inheritance. Affected: yes.
Comment: This sequence variant is a single nucleotide substitution (G>C) at coding position 1402 in the OGDHL gene that results in a glutamine to glutamic acid amino acid change at residue 468 of the OGDHL protein. This is a novel variant that has not been observed in individuals with OGDHL-related disease or reported to databases of clinically annotated variants. This variant is absent from control population datasets (gnomAD database, 0 of ~250,000 alleles). Bioinformatic tools predict that this variant would be damaging, and the Glu468 residue is highly conserved across the mammalian species examined. Functiol studies testing the effect of this variant on protein structure or activity have not been performed, to our knowledge. At this time, there is insufficient evidence to determine if this variant is pathogenic or benign. Therefore, we consider this to be a variant of uncertain significance. ACMG Criteria: PM2, PP3, PP4